The following is an entry in ClinVar:

ClinVar aggregate classification (germline): Uncertain significance (1 of 4 stars; one submission).

Conditions:
Hereditary cancer-predisposing syndrome. Also called: Neoplastic Syndromes, Hereditary; Hereditary Cancer Syndrome; Hereditary neoplastic syndrome; Tumor predisposition. Identifiers: Orphanet 140162, MedGen C0027672, MeSH D009386, MONDO:0015356.

gnomAD v4.1: 2 of 1,611,516 alleles (0.00012%); highest among the groups gnomAD compares: Non-Finnish European, 0.00017%; no homozygotes.

Submission:

Ambry Genetics
Classification: Uncertain significance for Hereditary cancer-predisposing syndrome. Last evaluated: 2023-03-19. Review status: criteria provided, single submitter. Criteria: Ambry Variant Classification Scheme 2023. Collection method: clinical testing. Allele origin: germline.
Comment: The p.H781N variant (also known as c.2341C>A), located in coding exon 17 of the MSH3 gene, results from a C to A substitution at nucleotide position 2341. The histidine at codon 781 is replaced by asparagine, an amino acid with similar properties. This amino acid position is conserved. In addition, the in silico prediction for this alteration is inconclusive. Since supporting evidence is limited at this time, the clinical significance of this alteration remains unclear.

NM_002439.5(MSH3):c.2341C>A (p.His781Asn)

Gene: MSH3 (mutS homolog 3; plus strand). Cytogenetic location: 5q14.1.
Variant type: single nucleotide variant.
Coding change: c.2341C>A on transcript NM_002439.5 (MANE Select); coding-DNA position 2341, C replaced by A.
Protein change: p.His781Asn; replaces histidine 781 with asparagine.
Molecular consequence: missense variant.
Genome position (GRCh38, 1-based): chr5:80,778,742, C>A. VCF-style: chr5-80778742-C-A. GRCh37 (hg19) VCF-style: chr5-80074561-C-A.
Other names: short protein forms H781N.
Identifiers: ClinVar variation 2565634 (VCV002565634.2), dbSNP rs1006511779, ClinGen allele CA360281744.